The following is an entry in ClinVar:

NM_000520.6(HEXA):c.964G>A (p.Asp322Asn)

Gene: HEXA (hexosaminidase subunit alpha; minus strand). Cytogenetic location: 15q23.
Variant type: single nucleotide variant.
Coding change: c.964G>A on transcript NM_000520.6 (MANE Select); coding-DNA position 964, G replaced by A.
Protein change: p.Asp322Asn; replaces aspartic acid 322 with asparagine.
Molecular consequence: missense variant. On other transcripts: non-coding transcript variant (1).
Genome position (GRCh38, 1-based): chr15:72,349,101, C>T on the plus strand (G>A on the coding strand, the complement: HEXA is on the minus strand). VCF-style: chr15-72349101-C-T. GRCh37 (hg19) VCF-style: chr15-72641442-C-T.
Other names: c.997G>A, p.Asp333Asn (NM_001318825.2); short protein forms D322N, D333N.
Identifiers: ClinVar variation 221280 (VCV000221280.12), dbSNP rs772180415, ClinGen allele CA074928.

ClinVar aggregate classification (germline): Pathogenic. Review status: criteria provided, multiple submitters, no conflicts (2 of 4 stars). 3 submissions from 3 submitters: Pathogenic (2). 1 of the submissions does not count toward it. Last evaluated 2021-07-08.

Conditions:
Tay-Sachs disease (TSD). Also called: GM2 gangliosidosis, type 1; Hexosaminidase alpha-subunit deficiency (variant B); Sphingolipidosis, Tay-Sachs; Hexosaminidase A Deficiency; HEXA DEFICIENCY; HEXA Disorders. Identifiers: Orphanet 845, MedGen C0039373, MONDO:0010100, OMIM 272800.

gnomAD v4.1: 6 of 1,614,050 alleles (0.00037%); highest among the groups gnomAD compares: South Asian, 0.0066%; no homozygotes.

Submissions (3):

Labcorp Genetics (formerly Invitae), Labcorp
Classification: Pathogenic for Tay-Sachs disease. Last evaluated: 2021-07-08. Review status: criteria provided, single submitter. Criteria: Invitae Variant Classification Sherloc (09022015). Collection method: clinical testing. Allele origin: germline.
Comment: This sequence change replaces aspartic acid with asparagine at codon 322 of the HEXA protein (p.Asp322Asn). The aspartic acid residue is highly conserved and there is a small physicochemical difference between aspartic acid and asparagine. This variant is not present in population databases (ExAC no frequency). This variant has been observed in individual(s) with Tay-Sachs disease (PMID: 22723944, 23852624). ClinVar contains an entry for this variant (Variation ID: 221280). Advanced modeling of protein sequence and biophysical properties (such as structural, functional, and spatial information, amino acid conservation, physicochemical variation, residue mobility, and thermodynamic stability) performed at Invitae indicates that this missense variant is expected to disrupt HEXA protein function. This variant disrupts the p.Asp322 amino acid residue in HEXA. Other variant(s) that disrupt this residue have been determined to be pathogenic (PMID: 22390110, 22723944, 23852624). This suggests that this residue is clinically significant, and that variants that disrupt this residue are likely to be disease-causing. For these reasons, this variant has been classified as Pathogenic.

Foundation for Research in Genetics and Endocrinology, FRIGE's Institute of Human Genetics
Classification: Pathogenic for Tay-Sachs disease. Last evaluated: 2011-10-02. Review status: criteria provided, single submitter. Criteria: Submitter's publication. Collection method: clinical testing. Allele origin: germline. Inheritance: Autosomal recessive inheritance. Affected: yes. Observed: 3 variant alleles, 1 compound heterozygote, 2 homozygotes.
Comment: This variant found to be pathogenic by online software including Mutation taster, Polyphen2, SIFT.

Hong-Tao Li Lab, Institute of Brain Science and Brain-inspired Research, Shandong First Medical University & Shandong Academy of Medical Sciences China
Classification: Pathogenic for Tay-Sachs disease. Review status: no assertion criteria provided. Collection method: research. Allele origin: germline. Inheritance: Autosomal recessive inheritance. Affected: yes. Observed: 1 variant allele, 1 homozygote. Not counted in ClinVar's aggregate classification.
Comment: Observed in affected individuals from a Pakistani neurodevelopmental-disorder research cohort of 263 individuals. Classification assigned using the ACMG/AMP framework. Population-frequency evidence: gnomAD AF 3.978e-06.

Literature cited by the submitters: PubMed 22723944 (cited by Labcorp Genetics (formerly Invitae), Labcorp); PubMed 23852624 (cited by Labcorp Genetics (formerly Invitae), Labcorp); PubMed 22390110 (cited by Labcorp Genetics (formerly Invitae), Labcorp).